The following is an entry in ClinVar:

NM_004311.4(ARL3):c.482T>G (p.Leu161Arg)

Gene: ARL3 (ARF like GTPase 3; minus strand). Cytogenetic location: 10q24.32.
Variant type: single nucleotide variant.
Coding change: c.482T>G on transcript NM_004311.4 (MANE Select); coding-DNA position 482, T replaced by G.
Protein change: p.Leu161Arg; replaces leucine 161 with arginine.
Molecular consequence: missense variant.
Genome position (GRCh38, 1-based): chr10:102,685,835, A>C on the plus strand (T>G on the coding strand, the complement: ARL3 is on the minus strand). VCF-style: chr10-102685835-A-C. GRCh37 (hg19) VCF-style: chr10-104445592-A-C.
Other names: short protein forms L161R.
Identifiers: ClinVar variation 2009801 (VCV002009801.4), dbSNP rs1446462751, ClinGen allele CA377919805.

ClinVar aggregate classification (germline): Uncertain significance (1 of 4 stars; one submission).

Allele frequency attached by ClinVar (database versions not stated): gnomAD exomes below 0.00001.

Submission:

Labcorp Genetics (formerly Invitae), Labcorp
Classification: Uncertain significance. Last evaluated: 2022-12-18. Review status: criteria provided, single submitter. Criteria: Invitae Variant Classification Sherloc (09022015). Collection method: clinical testing. Allele origin: germline.
Comment: In summary, the available evidence is currently insufficient to determine the role of this variant in disease. Therefore, it has been classified as a Variant of Uncertain Significance. Algorithms developed to predict the effect of missense changes on protein structure and function are either unavailable or do not agree on the potential impact of this missense change (SIFT: "Deleterious"; PolyPhen-2: "Benign"; Align-GVGD: "Class C0"). This variant has not been reported in the literature in individuals affected with ARL3-related conditions. This variant is present in population databases (no rsID available, gnomAD 0.003%). This sequence change replaces leucine, which is neutral and non-polar, with arginine, which is basic and polar, at codon 161 of the ARL3 protein (p.Leu161Arg).